The following is an entry in ClinVar:

NM_000053.4(ATP7B):c.3556+1G>A

Gene: ATP7B (ATPase copper transporting beta; minus strand). Cytogenetic location: 13q14.3.
Variant type: single nucleotide variant.
Coding change: c.3556+1G>A on transcript NM_000053.4 (MANE Select); the canonical splice donor site of the intron after coding-DNA position 3556, G replaced by A.
Molecular consequence: splice donor variant. On other transcripts: intron variant (2).
Genome position (GRCh38, 1-based): chr13:51,941,080, C>T on the plus strand (G>A on the coding strand, the complement: ATP7B is on the minus strand). VCF-style: chr13-51941080-C-T. GRCh37 (hg19) VCF-style: chr13-52515216-C-T.
Other names: c.3304+1G>A (NM_001330579.2, NM_001406531.1, NM_001406532.1); c.3268+1G>A (NM_001406534.1); c.3178+1306G>A (NM_001406538.1); c.3322+1G>A (NM_001330578.2, NM_001406527.1, NM_001406528.1); c.3412+1G>A (NM_001406520.1, NM_001406521.1, NM_001406522.1); c.3226+1G>A (NM_001406535.1, NM_001406536.1); c.3421+1G>A (NM_001406519.1); c.3502+1G>A (NM_001406515.1, NM_001406516.1); and 20 more.
Identifiers: ClinVar variation 189055 (VCV000189055.30), dbSNP rs184388696, ClinGen allele CA274325.

ClinVar aggregate classification (germline): Pathogenic/Likely pathogenic. Review status: criteria provided, multiple submitters, no conflicts (2 of 4 stars). 11 submissions from 11 submitters: Pathogenic (9); Likely pathogenic (2). Last evaluated 2026-02-16.

Conditions:
ATP7B-related disorder. Also called: ATP7B-related condition.
Wilson disease (WND). Also called: Wilson's disease. Identifiers: Orphanet 905, MedGen C0019202, MONDO:0010200, OMIM 277900. Disease mechanism: loss of function.

Allele frequency attached by ClinVar (database versions not stated): ExAC 0.00001; gnomAD 0.00001; gnomAD exomes 0.00001; TOPMed 0.00002; 1000 Genomes Project 30x 0.00016; 1000 Genomes Project 0.00020.
gnomAD v4.1: 20 of 1,614,170 alleles (0.0012%); highest among the groups gnomAD compares: East Asian, 0.0022%; no homozygotes.

Submissions (12):

PreventionGenetics, part of Exact Sciences
Classification: Pathogenic for ATP7B-related condition. Last evaluated: 2026-02-16. Review status: criteria provided, single submitter. Criteria: ACMG Guidelines, 2015. Collection method: clinical testing. Allele origin: germline.
Comment: The ATP7B c.3556+1G>A variant is predicted to disrupt the GT donor site and interfere with normal splicing. This variant has been reported along with a second ATP7B variant in individuals with Wilson disease (Ljubić et al. 2016. PubMed ID: 26799313; Table S2, Zhang et al. 2022. PubMed ID: 35220961; referred to as 3559+1 G>A in Thomas et al. 1995. PubMed ID: 7626145; Hou et al. 2022. PubMed ID: 35444691). This variant is reported in 0.0056% of alleles in individuals of East Asian descent in gnomAD. Variants that disrupt the consensus splice donor site in ATP7B are expected to be pathogenic. This variant is interpreted as pathogenic.

Natera, Inc.
Classification: Pathogenic for Wilson disease. Last evaluated: 2025-06-30. Review status: criteria provided, single submitter. Criteria: Natera Variant Classification Schema (03/2026). Collection method: clinical testing. Allele origin: germline.
Comment: The c.3556+1G>A variant in ATP7B is a canonical splice donor site variant predicted to affect pre-mRNA splicing, which may result in an abnormal transcript and altered protein product. This variant is expected to result in nonsense mediated decay, truncation, or a dysfunctional protein product. This variant is rare in the general population with a frequency below the threshold expected for the associated phenotype(s). This variant has been observed in one or more individuals affected with the associated recessive disease, as either homozygous or compound heterozygous with a second variant (PMID: 35220961, 26799313). Another variant at this same site results in an alteration predicted to cause a similar molecular effect has been observed in individual(s) with the associated phenotype. Given the available evidence, this variant is classified as Pathogenic.

Labcorp Genetics (formerly Invitae), Labcorp
Classification: Pathogenic for Wilson disease. Last evaluated: 2025-06-08. Review status: criteria provided, single submitter. Criteria: Invitae Variant Classification Sherloc (09022015). Collection method: clinical testing. Allele origin: germline.
Comment: This sequence change affects a donor splice site in intron 16 of the ATP7B gene. It is expected to disrupt RNA splicing. Variants that disrupt the donor or acceptor splice site typically lead to a loss of protein function (PMID: 16199547), and loss-of-function variants in ATP7B are known to be pathogenic (PMID: 10441329, 16283883). This variant is present in population databases (rs184388696, gnomAD 0.006%). Disruption of this splice site has been observed in individuals with Wilson disease (PMID: 7626145, 26799313; internal data). This variant is also known as c.3559+1G>A. ClinVar contains an entry for this variant (Variation ID: 189055). Algorithms developed to predict the effect of sequence changes on RNA splicing suggest that this variant may disrupt the consensus splice site. For these reasons, this variant has been classified as Pathogenic.

ARUP Laboratories, Molecular Genetics and Genomics, ARUP Laboratories
Classification: Pathogenic for Wilson disease. Last evaluated: 2025-02-03. Review status: criteria provided, single submitter. Criteria: ARUP Molecular Germline Variant Investigation Process 2024. Collection method: clinical testing. Allele origin: germline.
Comment: The ATP7B c.3556+1G>A variant (rs184388696), also published as 3559+1G>A, is reported in the literature in individuals affected with Wilson disease, several of whom are reported with a second pathogenic variant (Hou 2022, Ljubic 2016, Thomas 1995, Zhang 2022). This variant is only observed on two alleles in the Genome Aggregation Database (v2.1.1), indicating it is not a common polymorphism. This variant disrupts the canonical splice donor site of intron 16, which is likely to negatively impact gene function. Based on available information, this variant is considered to be pathogenic. References: Hou H et al. Clinical and Genetic Analysis in Neurological Wilson's Disease Patients With Neurological Worsening Following Chelator Therapy. Front Genet. 2022 Apr 4;13:875694. PMID: 35444691. Ljubic H et al. ATP7B Gene Mutations in Croatian Patients with Wilson Disease. Genet Test Mol Biomarkers. 2016 Mar;20(3):112-7. PMID: 26799313. Thomas GR et al. The Wilson disease gene: spectrum of mutations and their consequences. Nat Genet. 1995 Feb;9(2):210-7. PMID: 7626145. Zhang S et al. Clinical and genetic characterization of a large cohort of patients with Wilson's disease in China. Transl Neurodegener. 2022 Feb 28;11(1):13. PMID: 35220961.

All of Us Research Program, National Institutes of Health
Classification: Likely pathogenic for Wilson disease. Last evaluated: 2024-09-27. Review status: criteria provided, single submitter. Criteria: ACMG Guidelines, 2015. Collection method: clinical testing. Allele origin: germline. Inheritance: Autosomal recessive inheritance. Observed: 3 variant alleles, 3 heterozygotes.
Comment: This variant causes a G to A nucleotide substitution at the +1 position of intron 16 of the ATP7B gene. Splice site prediction tools predict that this variant may have a significant impact on RNA splicing. To our knowledge, functional studies have not been reported for this variant. This variant has been observed in individuals affected with autosomal recessive Wilson Disease (PMID: 7626145, 26799313, 35444691), including in one individual in the compound heterozygous state with another pathogenic variant in the ATP7B gene (PMID: 26799313). This variant has been identified in 2/249588 chromosomes in the general population by the Genome Aggregation Database (gnomAD). Loss of ATP7B function is a known mechanism of disease. Based on the available evidence, this variant is classified as Likely Pathogenic.

This study involves interpretation of variants in research participants for the purpose of population health screening. Participant phenotype was not available at the time of variant classification. Additional details can be found in publication PMID: 35346344, PMCID: PMC8962531

Baylor Genetics
Classification: Pathogenic for Wilson disease. Last evaluated: 2024-03-12. Review status: criteria provided, single submitter. Criteria: ACMG Guidelines, 2015. Collection method: clinical testing. Allele origin: unknown.

Women's Health and Genetics/Laboratory Corporation of America, LabCorp
Classification: Pathogenic for Wilson disease. Last evaluated: 2022-12-31. Review status: criteria provided, single submitter. Criteria: LabCorp Variant Classification Summary - May 2015. Collection method: clinical testing. Allele origin: germline.
Comment: Variant summary: ATP7B c.3556+1G>A is located in a canonical splice-site and is predicted to affect mRNA splicing resulting in a significantly altered protein due to either exon skipping, shortening, or inclusion of intronic material. Several computational tools predict a significant impact on normal splicing: Three predict the variant abolishes a 5' splicing donor site. However, these predictions have yet to be confirmed by functional studies. The variant allele was found at a frequency of 8e-06 in 249588 control chromosomes. c.3556+1G>A has been reported in the literature in two unrelated individuals affected with Wilson Disease (Thomas 1995, Ljubic 2016). These data indicate that the variant may be associated with disease. Three clinical diagnostic laboratories have submitted clinical-significance assessments for this variant to ClinVar after 2014 without evidence for independent evaluation. All laboratories classified the variant as pathogenic/likely pathogenic. Based on the evidence outlined above, the variant was classified as pathogenic.

Mayo Clinic Laboratories, Mayo Clinic
Classification: Pathogenic. Last evaluated: 2021-12-20. Review status: criteria provided, single submitter. Criteria: ACMG Guidelines, 2015. Collection method: clinical testing. Allele origin: germline.
Comment: PP4, PM2, PVS1

Myriad Genetics, Inc.
Classification: Pathogenic for Wilson disease. Last evaluated: 2021-11-11. Review status: criteria provided, single submitter. Criteria: Myriad Women's Health Autosomal Recessive and X-Linked Classification Criteria (2021). Collection method: clinical testing. Allele origin: unknown.
Comment: NM_000053.3(ATP7B):c.3556+1G>A is a canonical splice variant classified as pathogenic in the context of Wilson disease. c.3556+1G>A has been observed in cases with relevant disease (PMID: 26799313, 7626145). Functional assessments of this variant are not available in the literature. c.3556+1G>A has been observed in population frequency databases (gnomAD: EAS 0.01%). In summary, NM_000053.3(ATP7B):c.3556+1G>A is a canonical splice variant that has internal structural support for pathogenicity and has been observed more frequently in cases with the relevant disease than in healthy populations. Please note: this variant was assessed in the context of healthy population screening.

Genome-Nilou Lab
Classification: Pathogenic for Wilson disease. Last evaluated: 2021-08-10. Review status: criteria provided, single submitter. Criteria: ACMG Guidelines, 2015. Collection method: clinical testing. Allele origin: germline. Affected: no.

Laboratory for Molecular Medicine, Mass General Brigham Personalized Medicine
Classification: Likely pathogenic for Wilson disease. Last evaluated: 2020-06-11. Review status: criteria provided, single submitter. Criteria: ACMG Guidelines, 2015. Collection method: clinical testing. Allele origin: germline.
Comment: The c.3556+1G>A variant in ATP7B has been previously reported in at least 2 individuals with Wilson disease, including one who was compound heterozygous with the p.Arg969Gln variant (Ljubic 2016, Thomas 1995, Thomas 1995). This variant is present in 0.005% (1/17978) of East Asian and 0.0008% (1/113294) of European chromosomes by gnomAD. This variant occurs within the canonical splice site (+/- 1,2) and is predicted to cause altered splicing leading to an abnormal or absent protein. Loss of function of the ATP7B gene is an established disease mechanism in autosomal recessive Wilson disease. In summary, although additional studies are required to fully establish its clinical significance, this variant meets criteria to be classified as likely pathogenic for autosomal recessive Wilson disease. ACMG/AMP criteria applied: PVS1_Strong, PM2, PM3, PP3.

Dr. Peter K. Rogan Lab, Western University
No classification provided (evidence only). Condition: Familial cancer of breast. Review status: no classification provided. Collection method: in vitro. Allele origin: not applicable. Functional consequence: skipped exon, retained intron. Not counted in ClinVar's aggregate classification.

Literature cited by the submitters: PubMed 35220961 (cited by Natera, Inc.); PubMed 26799313 (cited by 7 submitters); PubMed 16199547 (cited by Labcorp Genetics (formerly Invitae), Labcorp); PubMed 10441329 (cited by Labcorp Genetics (formerly Invitae), Labcorp); PubMed 16283883 (cited by Labcorp Genetics (formerly Invitae), Labcorp); PubMed 7626145 (cited by 6 submitters); PubMed 35444691 (cited by All of Us Research Program, National Institutes of Health); PubMed 17629589 (cited by Mayo Clinic Laboratories, Mayo Clinic); PubMed 25525159 (cited by Laboratory for Molecular Medicine, Mass General Brigham Personalized Medicine); PubMed 7762553 (cited by Laboratory for Molecular Medicine, Mass General Brigham Personalized Medicine).